The following is an entry in ClinVar:

NM_001017979.3(RAB28):c.153G>C (p.Leu51Phe)

Gene: RAB28 (RAB28, member RAS oncogene family; minus strand). Cytogenetic location: 4p15.33.
Variant type: single nucleotide variant.
Coding change: c.153G>C on transcript NM_001017979.3 (MANE Select); coding-DNA position 153, G replaced by C.
Protein change: p.Leu51Phe; replaces leucine 51 with phenylalanine.
Molecular consequence: missense variant.
Genome position (GRCh38, 1-based): chr4:13,479,449, C>G on the plus strand (G>C on the coding strand, the complement: RAB28 is on the minus strand). VCF-style: chr4-13479449-C-G. GRCh37 (hg19) VCF-style: chr4-13481073-C-G.
Other names: c.153G>C, p.Leu51Phe (NM_001159601.2, NM_004249.4); short protein forms L51F.
Identifiers: ClinVar variation 2042082 (VCV002042082.4), dbSNP rs754796966, ClinGen allele CA2860209.

ClinVar aggregate classification (germline): Uncertain significance (1 of 4 stars; one submission).

Allele frequency attached by ClinVar (database versions not stated): gnomAD exomes below 0.00001; ExAC 0.00001.
gnomAD v4.1: 2 of 1,605,102 alleles (0.00012%); highest among the groups gnomAD compares: South Asian, 0.0022%; no homozygotes.

Submission:

Labcorp Genetics (formerly Invitae), Labcorp
Classification: Uncertain significance. Last evaluated: 2024-04-25. Review status: criteria provided, single submitter. Criteria: Invitae Variant Classification Sherloc (09022015). Collection method: clinical testing. Allele origin: germline.
Comment: This sequence change replaces leucine, which is neutral and non-polar, with phenylalanine, which is neutral and non-polar, at codon 51 of the RAB28 protein (p.Leu51Phe). This variant is present in population databases (rs754796966, gnomAD 0.003%). This variant has not been reported in the literature in individuals affected with RAB28-related conditions. ClinVar contains an entry for this variant (Variation ID: 2042082). An algorithm developed to predict the effect of missense changes on protein structure and function (PolyPhen-2) suggests that this variant is likely to be disruptive. In summary, the available evidence is currently insufficient to determine the role of this variant in disease. Therefore, it has been classified as a Variant of Uncertain Significance.